The following is an entry in ClinVar:

NM_014055.4(IFT81):c.1589C>G (p.Ser530Cys)

Gene: IFT81 (intraflagellar transport 81; plus strand). Cytogenetic location: 12q24.11.
Variant type: single nucleotide variant.
Coding change: c.1589C>G on transcript NM_014055.4 (MANE Select); coding-DNA position 1589, C replaced by G.
Protein change: p.Ser530Cys; replaces serine 530 with cysteine.
Molecular consequence: missense variant. On other transcripts: non-coding transcript variant (4).
Genome position (GRCh38, 1-based): chr12:110,203,895, C>G. VCF-style: chr12-110203895-C-G. GRCh37 (hg19) VCF-style: chr12-110641700-C-G.
Other names: c.1589C>G, p.Ser530Cys (NM_001143779.2); c.659C>G, p.Ser220Cys (NM_001347947.2, NM_001347948.2); short protein forms S220C, S530C.
Identifiers: ClinVar variation 961061 (VCV000961061.8), dbSNP rs762640373, ClinGen allele CA6783407.

ClinVar aggregate classification (germline): Uncertain significance (1 of 4 stars; one submission).

Allele frequency attached by ClinVar (database versions not stated): gnomAD 0.00001; gnomAD exomes 0.00001 and 0.00002; TOPMed 0.00001; ExAC 0.00002.
gnomAD v4.1: 18 of 1,613,258 alleles (0.0011%); highest among the groups gnomAD compares: Admixed American, 0.012%; no homozygotes.

Submission:

Labcorp Genetics (formerly Invitae), Labcorp
Classification: Uncertain significance. Last evaluated: 2022-11-08. Review status: criteria provided, single submitter. Criteria: Invitae Variant Classification Sherloc (09022015). Collection method: clinical testing. Allele origin: germline.
Comment: In summary, the available evidence is currently insufficient to determine the role of this variant in disease. Therefore, it has been classified as a Variant of Uncertain Significance. Algorithms developed to predict the effect of missense changes on protein structure and function (SIFT, PolyPhen-2, Align-GVGD) all suggest that this variant is likely to be tolerated. ClinVar contains an entry for this variant (Variation ID: 961061). This variant has not been reported in the literature in individuals affected with IFT81-related conditions. This variant is present in population databases (rs762640373, gnomAD 0.01%). This sequence change replaces serine, which is neutral and polar, with cysteine, which is neutral and slightly polar, at codon 530 of the IFT81 protein (p.Ser530Cys).